The following is an entry in ClinVar:

NM_001267550.2(TTN):c.86410A>G (p.Thr28804Ala)

Genes: TTN (titin; minus strand), TTN-AS1 (TTN antisense RNA 1; plus strand). Cytogenetic location: 2q31.2.
Variant type: single nucleotide variant.
Coding change: c.86410A>G on transcript NM_001267550.2 (MANE Select); coding-DNA position 86410, A replaced by G.
Protein change: p.Thr28804Ala; replaces threonine 28804 with alanine.
Molecular consequence: missense variant.
Genome position (GRCh38, 1-based): chr2:178,559,722, T>C on the plus strand (A>G on the coding strand, the complement: TTN is on the minus strand). VCF-style: chr2-178559722-T-C. GRCh37 (hg19) VCF-style: chr2-179424449-T-C.
Other names: c.81487A>G, p.Thr27163Ala (NM_001256850.1); c.59215A>G, p.Thr19739Ala (NM_003319.4); c.78706A>G, p.Thr26236Ala (NM_133378.4); c.59590A>G, p.Thr19864Ala (NM_133432.3); c.59791A>G, p.Thr19931Ala (NM_133437.4); short protein forms T19931A, T27163A, T26236A, T19864A, T28804A, T19739A.
Identifiers: ClinVar variation 4987999 (VCV004987999.1).

ClinVar aggregate classification (germline): Uncertain significance (1 of 4 stars; one submission).

Conditions:
TTN-related disorder. Also called: TTN-related disorders; TTN-related condition; TTN-related disease.

gnomAD v4.1: 2 of 1,601,486 alleles (0.00012%); highest among the groups gnomAD compares: African/African-American, 0.0027%; no homozygotes.

Submission:

PreventionGenetics, part of Exact Sciences
Classification: Uncertain significance for TTN-related condition. Last evaluated: 2025-09-01. Review status: criteria provided, single submitter. Criteria: ACMG Guidelines, 2015. Collection method: clinical testing. Allele origin: germline.
Comment: The TTN c.86410A>G variant is predicted to result in the amino acid substitution p.Thr28804Ala. To our knowledge, this variant has not been reported in the literature or in a large population database (gnomAD), indicating this variant is rare. At this time, the clinical significance of this variant is uncertain due to the absence of conclusive functional and genetic evidence.